The following is an entry in ClinVar:

ClinVar aggregate classification (germline): Pathogenic. Review status: criteria provided, multiple submitters, no conflicts (2 of 4 stars). 3 submissions from 3 submitters: Pathogenic (3). Last evaluated 2026-05-29.

Conditions:
Retinoblastoma (RB1). Also called: RETINOBLASTOMA, SOMATIC. Identifiers: Orphanet 790, MedGen C0035335, MeSH D012175, MONDO:0008380, OMIM 180200, HP:0009919. Disease mechanism: loss of function. Inheritance: Both sporadic and heritable forms are tested..

Allele frequency attached by ClinVar (database versions not stated): gnomAD exomes below 0.00001.
gnomAD v4.1: 1 of 1,560,686 alleles (0.000064%); highest among the groups gnomAD compares: Non-Finnish European, 0.000087%; no homozygotes.

Submissions (3):

Diller/Parad Lab, Dana-Farber/Harvard Cancer Center
Classification: Pathogenic for Retinoblastoma. Last evaluated: 2026-05-29. Review status: criteria provided, single submitter. Criteria: ACMG Guidelines, 2015. Collection method: research. Allele origin: germline. Affected: yes.
Comment: It has been classified as Pathogenic using Richards et al (PMID:25741868) based on the following evidence codes: PM2, PVS1, PP3.

Genetic Diagnostic Laboratory, University of Pennsylvania School of Medicine
Classification: Pathogenic for Retinoblastoma. Last evaluated: 2024-05-20. Review status: criteria provided, single submitter. Criteria: ACMG Guidelines, 2015. Collection method: clinical testing. Allele origin: germline. Affected: yes. Observed: 1 variant allele.
Comment: Case and Pedigree Information: BILATERAL CASES:1, UNILATERAL CASES:0, TOTAL CASES:1, PEDIGREES:1. ACMG Codes Applied:PVS1, PM2

Labcorp Genetics (formerly Invitae), Labcorp
Classification: Pathogenic for Retinoblastoma. Last evaluated: 2021-07-29. Review status: criteria provided, single submitter. Criteria: Invitae Variant Classification Sherloc (09022015). Collection method: clinical testing. Allele origin: germline.
Comment: For these reasons, this variant has been classified as Pathogenic. Donor and acceptor splice site variants typically lead to a loss of protein function (PMID: 16199547), and loss-of-function variants in RB1 are known to be pathogenic (PMID: 17096365). Algorithms developed to predict the effect of sequence changes on RNA splicing suggest that this variant may disrupt the consensus splice site, but this prediction has not been confirmed by published transcriptional studies. This variant has been reported in individuals affected with bilateral retinoblastoma (PMID: 15884040, Invitae). This variant is also known as c.1560-1G>A in the literature. ClinVar contains an entry for this variant (Variation ID: 527931). This variant is not present in population databases (ExAC no frequency). This sequence change affects an acceptor splice site in intron 15 of the RB1 gene. It is expected to disrupt RNA splicing and likely results in an absent or disrupted protein product.

Literature cited by the submitters: PubMed 16199547 (cited by Labcorp Genetics (formerly Invitae), Labcorp); PubMed 17096365 (cited by Labcorp Genetics (formerly Invitae), Labcorp); PubMed 15884040 (cited by Labcorp Genetics (formerly Invitae), Labcorp).

NM_000321.3(RB1):c.1422-1G>A

Gene: RB1 (RB transcriptional corepressor 1; plus strand). Cytogenetic location: 13q14.2.
Variant type: single nucleotide variant.
Coding change: c.1422-1G>A on transcript NM_000321.3 (MANE Select); the canonical splice acceptor site of the intron before coding-DNA position 1422, G replaced by A.
Molecular consequence: splice acceptor variant.
Genome position (GRCh38, 1-based): chr13:48,380,164, G>A. VCF-style: chr13-48380164-G-A. GRCh37 (hg19) VCF-style: chr13-48954300-G-A.
Other names: c.1422-1G>A (NM_001407165.1, NM_001407166.1).
Identifiers: ClinVar variation 527931 (VCV000527931.13), dbSNP rs1461382798, ClinGen allele CA388162752.